The following is an entry in ClinVar:

ClinVar aggregate classification (germline): Likely pathogenic (1 of 4 stars; one submission).

Allele frequency attached by ClinVar (database versions not stated): gnomAD exomes below 0.00001.

Submission:

GeneDx
Classification: Likely pathogenic. Last evaluated: 2017-12-15. Review status: criteria provided, single submitter. Criteria: GeneDx Variant Classification (06012015). Collection method: clinical testing. Allele origin: germline. Affected: yes.
Comment: The c.123_124dupAA variant has not been published as a pathogenic variant, nor has it been reported as a benign variant to our knowledge. The c.123_124dupAA variant is not observed in large population cohorts (Lek et al., 2016). The c.123_124dupAA variant causes a frameshift starting with codon Isoleucine 42, changes this amino acid to a Lysine residue and creates a premature Stop codon at position 26 of the new reading frame, denoted p.Ile42LysfsX26. This variant is predicted to cause loss of normal protein function either through protein truncation or nonsense-mediated mRNA decay. Therefore, this variant is likely pathogenic; however, the possibility that it is benign cannot be excluded.

NM_181882.3(PRX):c.123_124dup (p.Ile42fs)

Genes: PRX (periaxin; minus strand), LOC130064454 (ATAC-STARR-seq lymphoblastoid active region 14650; plus strand). Cytogenetic location: 19q13.2.
Variant type: Duplication.
Coding change: c.123_124dup on transcript NM_181882.3 (MANE Select); coding-DNA positions 123 to 124, 2 bases duplicated (AA; older notation c.123_124dupAA).
Protein change: p.Ile42fs; shifts the reading frame from isoleucine 42.
Molecular consequence: frameshift variant.
Genome position (GRCh38, 1-based): chr19:40,403,766-40,403,767, TT duplicated on the plus strand (AA on the coding strand, the reverse complement: PRX is on the minus strand). VCF-style (leftmost placement, unchanged base first): chr19-40403765-A-ATT. GRCh37 (hg19) VCF-style: chr19-40909672-A-ATT.
Other names: c.123_124dup, p.Ile42fs (NM_020956.2); c.123_124dupAA (NM_181882.2); short protein forms I42fs.
Identifiers: ClinVar variation 503915 (VCV000503915.1), dbSNP rs1555802173, ClinGen allele CA658799231.
Genomic context (GRCh38, chr19:40,403,765, plus strand): 5'-CCTTCCTGCAGGCTGAGGCTCCTGGCGGCGGGTGAGTCCTCGCGCAGCTCCCGAACGAAG[A>ATT]TTCCCTCTTTGCCGCCGCCCGCTACGTTGATGCCGCTGACCCCGGTCTGCGCCTCCGTCT-3'